The following is an entry in ClinVar:

ClinVar aggregate classification (germline): Uncertain significance (1 of 4 stars; one submission).

Conditions:
Immunodeficiency 18 (IMD18). Also called: CD3epsilon deficiency; CD3-EPSILON DEFICIENCY. Identifiers: MedGen C3810127, MONDO:0014278, OMIM 615615.

Allele frequency attached by ClinVar (database versions not stated): TOPMed below 0.00001.

Submission:

Labcorp Genetics (formerly Invitae), Labcorp
Classification: Uncertain significance for Immunodeficiency 18. Last evaluated: 2023-12-07. Review status: criteria provided, single submitter. Criteria: Invitae Variant Classification Sherloc (09022015). Collection method: clinical testing. Allele origin: germline.
Comment: This sequence change replaces histidine, which is basic and polar, with proline, which is neutral and non-polar, at codon 6 of the CD3E protein (p.His6Pro). This variant is not present in population databases (gnomAD no frequency). This variant has not been reported in the literature in individuals affected with CD3E-related conditions. ClinVar contains an entry for this variant (Variation ID: 841090). An algorithm developed to predict the effect of missense changes on protein structure and function (PolyPhen-2) suggests that this variant¬†is likely to be tolerated. In summary, the available evidence is currently insufficient to determine the role of this variant in disease. Therefore, it has been classified as a Variant of Uncertain Significance.

NM_000733.4(CD3E):c.17A>C (p.His6Pro)

Gene: CD3E (CD3 epsilon subunit of T-cell receptor complex; plus strand). Cytogenetic location: 11q23.3.
Variant type: single nucleotide variant.
Coding change: c.17A>C on transcript NM_000733.4 (MANE Select); coding-DNA position 17, A replaced by C.
Protein change: p.His6Pro; replaces histidine 6 with proline.
Molecular consequence: missense variant.
Genome position (GRCh38, 1-based): chr11:118,304,969, A>C. VCF-style: chr11-118304969-A-C. GRCh37 (hg19) VCF-style: chr11-118175684-A-C.
Other names: short protein forms H6P.
Identifiers: ClinVar variation 841090 (VCV000841090.7), dbSNP rs1009249314, ClinGen allele CA229495803.
Genomic context (GRCh38, chr11:118,304,969, plus strand): 5'-TGGCCTCCGCCATCTTAGTAAAGTAACAGTCCCATGAAACAAAGATGCAGTCGGGCACTC[A>C]CTGGAGAGTTCTGGGCCTCTGCCTCTTATCAGGTGAGTAGGATGGAGTGGAAAGGGTGGT-3'
Protein context (NP_000724.1, residues 1-16): MQSGT[His6Pro]WRVLGLCLLS